The following is an entry in ClinVar:

NM_001205293.3(CACNA1E):c.2977T>C (p.Ser993Pro)

Gene: CACNA1E (calcium voltage-gated channel subunit alpha1 E; plus strand). Cytogenetic location: 1q25.3.
Variant type: single nucleotide variant.
Coding change: c.2977T>C on transcript NM_001205293.3 (MANE Select); coding-DNA position 2977, T replaced by C.
Protein change: p.Ser993Pro; replaces serine 993 with proline.
Molecular consequence: missense variant.
Genome position (GRCh38, 1-based): chr1:181,733,465, T>C. VCF-style: chr1-181733465-T-C. GRCh37 (hg19) VCF-style: chr1-181702601-T-C.
Other names: c.2977T>C, p.Ser993Pro (NM_000721.4); c.2920T>C, p.Ser974Pro (NM_001205294.2); short protein forms S974P, S993P.
Identifiers: ClinVar variation 3608681 (VCV003608681.2).
Genomic context (GRCh38, chr1:181,733,465, plus strand): 5'-AGCACCAGCTCTCTCTTCCTCTCTCTTCACAGGACCAACAGTCTGATGGTGTCCAGAGGC[T>C]CCGGGCTGGCAGGAGGCCTTGATGAGGCTGACACCCCCCTAGTCCTGCCCCATCCTGAGC-3'
Protein context (NP_001192222.1, residues 983-1003): RTNSLMVSRG[Ser993Pro]GLAGGLDEAD

ClinVar aggregate classification (germline): Uncertain significance (1 of 4 stars; one submission).

gnomAD v4.1: 3 of 1,552,838 alleles (0.00019%); highest among the groups gnomAD compares: Middle Eastern, 0.017%; no homozygotes.

Submission:

Labcorp Genetics (formerly Invitae), Labcorp
Classification: Uncertain significance. Last evaluated: 2024-09-17. Review status: criteria provided, single submitter. Criteria: Invitae Variant Classification Sherloc (09022015). Collection method: clinical testing. Allele origin: germline.
Comment: This sequence change replaces serine, which is neutral and polar, with proline, which is neutral and non-polar, at codon 993 of the CACNA1E protein (p.Ser993Pro). This variant is not present in population databases (gnomAD no frequency). This variant has not been reported in the literature in individuals affected with CACNA1E-related conditions. Invitae Evidence Modeling of protein sequence and biophysical properties (such as structural, functional, and spatial information, amino acid conservation, physicochemical variation, residue mobility, and thermodynamic stability) has been performed for this missense variant. However, the output from this modeling did not meet the statistical confidence thresholds required to predict the impact of this variant on CACNA1E protein function. In summary, the available evidence is currently insufficient to determine the role of this variant in disease. Therefore, it has been classified as a Variant of Uncertain Significance.